The following is an entry in ClinVar:

ClinVar aggregate classification (germline): Pathogenic (1 of 4 stars; one submission).

Conditions:
Duchenne muscular dystrophy (DMD). Also called: Duchenne Muscular Dystrophy (DMD); MUSCULAR DYSTROPHY, PSEUDOHYPERTROPHIC PROGRESSIVE, DUCHENNE TYPE. Identifiers: Orphanet 98896, MedGen C0013264, MONDO:0010679, OMIM 310200.

Submission:

Labcorp Genetics (formerly Invitae), Labcorp
Classification: Pathogenic for Duchenne muscular dystrophy. Last evaluated: 2019-10-11. Review status: criteria provided, single submitter. Criteria: Invitae Variant Classification Sherloc (09022015). Collection method: clinical testing. Allele origin: germline.
Comment: This variant is an out-of-frame deletion of the genomic region encompassing exons 52-54 of the DMD gene. This is expected to create a premature translational stop signal and result in an absent or disrupted protein product. This variant has been observed in individuals with Duchenne or Becker muscular dystrophy (PMID: 11409318, 24928015, 25482253). In at least one individual the variant was observed to be de novo. Loss-of-function variants in DMD are known to be pathogenic (PMID: 16770791, 25007885). For these reasons, this variant has been classified as Pathogenic.

Literature cited by the submitters: PubMed 11409318; PubMed 24928015; PubMed 25482253.

NC_000023.11:g.(?_31657980)_(31729758_?)del

Gene: DMD (dystrophin; minus strand). Cytogenetic location: Xp21.1.
Variant type: Deletion.
Identifiers: ClinVar variation 833017 (VCV000833017.1).